The following is an entry in ClinVar:

ClinVar aggregate classification (germline): Uncertain significance (1 of 4 stars; one submission).

Conditions:
Hereditary breast ovarian cancer syndrome. Also called: Hereditary breast and ovarian cancer syndrome (HBOC); Breast and ovarian cancer; Hereditary breast and ovarian cancer syndrome; Hereditary breast and/or ovarian cancer syndrome; Hereditary breast and ovarian cancer; BRCA1- and BRCA2-Associated Hereditary Breast and Ovarian Cancer. Identifiers: Orphanet 145, MedGen C0677776, MeSH D061325, MONDO:0003582. Disease mechanism: loss of function.

Allele frequency attached by ClinVar (database versions not stated): gnomAD exomes below 0.00001.
gnomAD v4.1: 1 of 1,611,964 alleles (0.000062%); highest among the groups gnomAD compares: Non-Finnish European, 0.000085%; no homozygotes.

Submission:

Labcorp Genetics (formerly Invitae), Labcorp
Classification: Uncertain significance for Hereditary breast ovarian cancer syndrome. Last evaluated: 2020-12-15. Review status: criteria provided, single submitter. Criteria: Invitae Variant Classification Sherloc (09022015). Collection method: clinical testing. Allele origin: germline.
Comment: In summary, the available evidence is currently insufficient to determine the role of this variant in disease. Therefore, it has been classified as a Variant of Uncertain Significance. Studies have shown that this variant is associated with altered splicing, but the impact on the resulting protein product is unknown (PMID: 28339459). This variant has not been reported in the literature in individuals with BRCA2-related conditions. This variant is not present in population databases (ExAC no frequency). This sequence change falls in intron 17 of the BRCA2 gene. It does not directly change the encoded amino acid sequence of the BRCA2 protein.

Literature cited by the submitters: PubMed 28339459.

NM_000059.4(BRCA2):c.7977-6T>G

Gene: BRCA2 (BRCA2 DNA repair associated; plus strand). Cytogenetic location: 13q13.1.
Variant type: single nucleotide variant.
Coding change: c.7977-6T>G on transcript NM_000059.4 (MANE Select); 6 bases into the intron before coding-DNA position 7977, T replaced by G.
Molecular consequence: intron variant.
Genome position (GRCh38, 1-based): chr13:32,363,173, T>G. VCF-style: chr13-32363173-T-G. GRCh37 (hg19) VCF-style: chr13-32937310-T-G.
Identifiers: ClinVar variation 1407571 (VCV001407571.8), dbSNP rs2137579507, ClinGen allele CA2573149373.